The following is an entry in ClinVar:

NM_002691.4(POLD1):c.2559C>G (p.Ile853Met)

Gene: POLD1 (DNA polymerase delta 1, catalytic subunit; plus strand). Cytogenetic location: 19q13.33.
Variant type: single nucleotide variant.
Coding change: c.2559C>G on transcript NM_002691.4 (MANE Select); coding-DNA position 2559, C replaced by G.
Protein change: p.Ile853Met; replaces isoleucine 853 with methionine.
Molecular consequence: missense variant. On other transcripts: non-coding transcript variant (1).
Genome position (GRCh38, 1-based): chr19:50,414,985, C>G. VCF-style: chr19-50414985-C-G. GRCh37 (hg19) VCF-style: chr19-50918242-C-G.
Other names: c.2559C>G, p.Ile853Met (NM_001438213.1, NM_001256849.1, NM_001438212.1); c.2637C>G, p.Ile879Met (NM_001308632.1); c.2487C>G, p.Ile829Met (NM_001438210.1, NM_001438211.1); short protein forms I853M, I829M, I879M.
Identifiers: ClinVar variation 4140999 (VCV004140999.2).

ClinVar aggregate classification (germline): Uncertain significance. Review status: criteria provided, multiple submitters, no conflicts (2 of 4 stars). 2 submissions from 2 submitters: Uncertain significance (2). Last evaluated 2025-12-23.

Conditions:
Hereditary cancer-predisposing syndrome. Also called: Hereditary neoplastic syndrome; Neoplastic Syndromes, Hereditary; Tumor predisposition; Hereditary Cancer Syndrome. Identifiers: Orphanet 140162, MedGen C0027672, MeSH D009386, MONDO:0015356.
POLD1-related polyposis and colorectal cancer syndrome (CRCS10). Also called: Colorectal cancer, susceptibility to, 10; Colorectal cancer 10; COLORECTAL CANCER, SUSCEPTIBILITY TO, ON CHROMOSOME 19q. Identifiers: Orphanet 220460, MedGen C2675481, MONDO:0012953, OMIM 612591.

gnomAD v4.1: 1 of 1,577,534 alleles (0.000063%); highest among the groups gnomAD compares: Non-Finnish European, 0.000086%; no homozygotes.

Submissions (2):

Labcorp Genetics (formerly Invitae), Labcorp
Classification: Uncertain significance for POLD1-related polyposis and colorectal cancer syndrome. Last evaluated: 2025-12-23. Review status: criteria provided, single submitter. Criteria: Invitae Variant Classification Sherloc (09022015). Collection method: clinical testing. Allele origin: germline.
Comment: This sequence change replaces isoleucine, which is neutral and non-polar, with methionine, which is neutral and non-polar, at codon 853 of the POLD1 protein (p.Ile853Met). This variant is not present in population databases (gnomAD no frequency). This variant has not been reported in the literature in individuals affected with POLD1-related conditions. ClinVar contains an entry for this variant (Variation ID: 4140999). Invitae Evidence Modeling of protein sequence and biophysical properties (such as structural, functional, and spatial information, amino acid conservation, physicochemical variation, residue mobility, and thermodynamic stability) indicates that this missense variant is not expected to disrupt POLD1 protein function with a negative predictive value of 80%. In summary, the available evidence is currently insufficient to determine the role of this variant in disease. Therefore, it has been classified as a Variant of Uncertain Significance.

Ambry Genetics
Classification: Uncertain significance for Hereditary cancer-predisposing syndrome. Last evaluated: 2025-07-11. Review status: criteria provided, single submitter. Criteria: Ambry Variant Classification Scheme 2023. Collection method: clinical testing. Allele origin: germline.
Comment: The p.I853M variant (also known as c.2559C>G), located in coding exon 19 of the POLD1 gene, results from a C to G substitution at nucleotide position 2559. The isoleucine at codon 853 is replaced by methionine, an amino acid with highly similar properties. This amino acid position is conserved. In addition, this alteration is predicted to be tolerated by in silico analysis. Based on the available evidence, the clinical significance of this variant remains unclear.